The following is an entry in ClinVar:

NM_001128159.3(VPS53):c.1788-261G>T

Gene: VPS53 (VPS53 subunit of GARP complex; minus strand). Cytogenetic location: 17p13.3.
Variant type: single nucleotide variant.
Coding change: c.1788-261G>T on transcript NM_001128159.3 (MANE Select); 261 bases into the intron before coding-DNA position 1788, G replaced by T.
Molecular consequence: intron variant.
Genome position (GRCh38, 1-based): chr17:552,211, C>A on the plus strand (G>T on the coding strand, the complement: VPS53 is on the minus strand). VCF-style: chr17-552211-C-A. GRCh37 (hg19) VCF-style: chr17-455451-C-A.
Other names: c.1701-261G>T (NM_018289.4); c.1788-261G>T (NM_001366253.2); c.1194-261G>T (NM_001366254.2).
Identifiers: ClinVar variation 667586 (VCV000667586.2), dbSNP rs9905044, ClinGen allele CA14367593.
Genomic context (GRCh38, chr17:552,211, plus strand): 5'-AGAATCCCACGGTCAGTCTCCCTAATCACCACCCCAGTATCCCTGTTCACATCTTCCTCC[C>A]AAAGAACCTGCTTCCCAAAAATGTTTAAGTCAGAACTGAAGAAAATAAAAAGCTAAGAAA-3'

ClinVar aggregate classification (germline): Benign. Review status: criteria provided, multiple submitters, no conflicts (2 of 4 stars). 2 submissions from 2 submitters: Benign (2). Last evaluated 2018-06-19.

Allele frequency attached by ClinVar (database versions not stated): gnomAD 0.55514; 1000 Genomes Project 0.62220; TOPMed 0.59124; 1000 Genomes Project 30x 0.62024.
gnomAD v4.1: 86,413 of 149,670 alleles (58%); highest among the groups gnomAD compares: East Asian, 75%; 25,379 homozygotes.

Submissions (2):

GeneDx
Classification: Benign. Last evaluated: 2018-06-19. Review status: criteria provided, single submitter. Criteria: GeneDx Variant Classification (06012015). Collection method: clinical testing. Allele origin: germline. Affected: yes.
Comment: This variant is considered likely benign or benign based on one or more of the following criteria: it is a conservative change, it occurs at a poorly conserved position in the protein, it is predicted to be benign by multiple in silico algorithms, and/or has population frequency not consistent with disease.

Breakthrough Genomics
Classification: Benign. Review status: criteria provided, single submitter. Criteria: ACMG Guidelines, 2015. Collection method: not provided. Allele origin: germline. Inheritance: Autosomal recessive inheritance. Affected: yes.